The following is an entry in ClinVar:

NM_001561.6(TNFRSF9):c.428G>C (p.Gly143Ala)

Gene: TNFRSF9 (TNF receptor superfamily member 9; minus strand). Cytogenetic location: 1p36.23.
Variant type: single nucleotide variant.
Coding change: c.428G>C on transcript NM_001561.6 (MANE Select); coding-DNA position 428, G replaced by C.
Protein change: p.Gly143Ala; replaces glycine 143 with alanine.
Molecular consequence: missense variant.
Genome position (GRCh38, 1-based): chr1:7,935,129, C>G on the plus strand (G>C on the coding strand, the complement: TNFRSF9 is on the minus strand). VCF-style: chr1-7935129-C-G. GRCh37 (hg19) VCF-style: chr1-7995189-C-G.
Other names: c.428G>C (NM_001561.5); short protein forms G143A.
Identifiers: ClinVar variation 2190351 (VCV002190351.5), dbSNP rs2527264558, ClinGen allele CA338158634.
Genomic context (GRCh38, chr1:7,935,129, plus strand): 5'-GCTGGAGATGGTCCACAGACCACGTCCCTCTCCTTCGTCCCATTCACAAGCACAGACTTT[C>G]CATCCAAAGAACAGCTTAGACAGTTCAATGAAAATAATTTAAATAATTAACTTAGGTCCA-3'
Protein context (NP_001552.2, residues 133-153): CRPWTNCSLD[Gly143Ala]KSVLVNGTKE

ClinVar aggregate classification (germline): Uncertain significance. Review status: criteria provided, multiple submitters, no conflicts (2 of 4 stars). 2 submissions from 2 submitters: Uncertain significance (2). Last evaluated 2024-10-07.

Conditions:
Inborn genetic diseases. Identifiers: MedGen C0950123, MeSH D030342.

gnomAD v4.1: 2 of 1,614,196 alleles (0.00012%); highest among the groups gnomAD compares: Non-Finnish European, 0.000085%; no homozygotes.

Submissions (2):

Labcorp Genetics (formerly Invitae), Labcorp
Classification: Uncertain significance. Last evaluated: 2024-10-07. Review status: criteria provided, single submitter. Criteria: Invitae Variant Classification Sherloc (09022015). Collection method: clinical testing. Allele origin: germline.
Comment: This sequence change replaces glycine, which is neutral and non-polar, with alanine, which is neutral and non-polar, at codon 143 of the TNFRSF9 protein (p.Gly143Ala). This variant is not present in population databases (gnomAD no frequency). This variant has not been reported in the literature in individuals affected with TNFRSF9-related conditions. ClinVar contains an entry for this variant (Variation ID: 2190351). An algorithm developed to predict the effect of missense changes on protein structure and function (PolyPhen-2) suggests that this variant is likely to be disruptive. In summary, the available evidence is currently insufficient to determine the role of this variant in disease. Therefore, it has been classified as a Variant of Uncertain Significance.

Ambry Genetics
Classification: Uncertain significance for Inborn genetic diseases. Last evaluated: 2023-05-17. Review status: criteria provided, single submitter. Criteria: Ambry Variant Classification Scheme 2023. Collection method: clinical testing. Allele origin: germline.